The following is an entry in ClinVar:

NM_004006.3(DMD):c.2941G>A (p.Glu981Lys)

Gene: DMD (dystrophin; minus strand). Cytogenetic location: Xp21.1.
Variant type: single nucleotide variant.
Coding change: c.2941G>A on transcript NM_004006.3 (MANE Select); coding-DNA position 2941, G replaced by A.
Protein change: p.Glu981Lys; replaces glutamic acid 981 with lysine.
Molecular consequence: missense variant.
Genome position (GRCh38, 1-based): chrX:32,472,172, C>T on the plus strand (G>A on the coding strand, the complement: DMD is on the minus strand). VCF-style: chrX-32472172-C-T. GRCh37 (hg19) VCF-style: chrX-32490289-C-T.
Other names: c.2917G>A, p.Glu973Lys (NM_000109.4); c.2929G>A, p.Glu977Lys (NM_004009.3); c.2572G>A, p.Glu858Lys (NM_004010.3); short protein forms E858K, E981K, E973K, E977K.
Identifiers: ClinVar variation 1471747 (VCV001471747.8), dbSNP rs2148484587, ClinGen allele CA412667756.
Genomic context (GRCh38, chrX:32,472,172, plus strand): 5'-TGAATGCTTGATAAGCGTGCTTTATTGTTTTGACATTCAAATATTCACAGACCTGCAATT[C>T]CCCGAGTCTCTGCTCCATGATTTCATAGTCGGTGACACTAAGTTGAGGTATGGAGAGTTT-3'
Protein context (NP_003997.2, residues 971-991): DYEIMEQRLG[Glu981Lys]LQALQSSLQE

ClinVar aggregate classification (germline): Uncertain significance (1 of 4 stars; one submission).

Conditions:
Duchenne muscular dystrophy (DMD). Also called: Duchenne Muscular Dystrophy (DMD); MUSCULAR DYSTROPHY, PSEUDOHYPERTROPHIC PROGRESSIVE, DUCHENNE TYPE. Identifiers: Orphanet 98896, MedGen C0013264, MONDO:0010679, OMIM 310200.

Submission:

Labcorp Genetics (formerly Invitae), Labcorp
Classification: Uncertain significance for Duchenne muscular dystrophy. Last evaluated: 2021-02-02. Review status: criteria provided, single submitter. Criteria: Invitae Variant Classification Sherloc (09022015). Collection method: clinical testing. Allele origin: germline.
Comment: In summary, the available evidence is currently insufficient to determine the role of this variant in disease. Therefore, it has been classified as a Variant of Uncertain Significance. This sequence change replaces glutamic acid with lysine at codon 981 of the DMD protein (p.Glu981Lys). The glutamic acid residue is moderately conserved and there is a small physicochemical difference between glutamic acid and lysine. This variant is not present in population databases (ExAC no frequency). This variant has not been reported in the literature in individuals with DMD-related conditions. Algorithms developed to predict the effect of missense changes on protein structure and function output the following: SIFT: "Tolerated"; PolyPhen-2: "Probably Damaging"; Align-GVGD: "Class C0". The lysine amino acid residue is found in multiple mammalian species, suggesting that this missense change does not adversely affect protein function. These predictions have not been confirmed by published functional studies and their clinical significance is uncertain.